The following is an entry in ClinVar:

NM_001365902.3(NFIX):c.185G>A (p.Gly62Asp)

Gene: NFIX (nuclear factor I X; plus strand). Cytogenetic location: 19p13.13.
Variant type: single nucleotide variant.
Coding change: c.185G>A on transcript NM_001365902.3 (MANE Select); coding-DNA position 185, G replaced by A.
Protein change: p.Gly62Asp; replaces glycine 62 with aspartic acid.
Molecular consequence: missense variant.
Genome position (GRCh38, 1-based): chr19:13,025,178, G>A. VCF-style: chr19-13025178-G-A. GRCh37 (hg19) VCF-style: chr19-13135992-G-A.
Other names: c.209G>A, p.Gly70Asp (NM_001271043.2); c.161G>A, p.Gly54Asp (NM_001271044.3, NM_001378404.1); c.185G>A, p.Gly62Asp (NM_001365982.2, NM_002501.4); c.44G>A, p.Gly15Asp (NM_001365983.2); c.182G>A, p.Gly61Asp (NM_001365984.2, NM_001365985.2); c.233G>A, p.Gly78Asp (NM_001378405.1); short protein forms G15D, G54D, G61D, G62D, G70D, G78D.
Identifiers: ClinVar variation 3893629 (VCV003893629.1).

ClinVar aggregate classification (germline): Uncertain significance (1 of 4 stars; one submission).

Submission:

GeneDx
Classification: Uncertain significance. Last evaluated: 2024-10-28. Review status: criteria provided, single submitter. Criteria: GeneDx Variant Classification Process June 2021. Collection method: clinical testing. Allele origin: germline. Affected: yes.
Comment: Not observed at significant frequency in large population cohorts (gnomAD); In silico analysis supports that this missense variant has a deleterious effect on protein structure/function; Has not been previously published as pathogenic or benign to our knowledge; This variant is associated with the following publications: (PMID: 22982744)